The following is an entry in ClinVar:

ClinVar aggregate classification (germline): Uncertain significance. Review status: criteria provided, multiple submitters, no conflicts (2 of 4 stars). 2 submissions from 2 submitters: Uncertain significance (2). Last evaluated 2023-12-27.

Conditions:
Inborn genetic diseases. Identifiers: MedGen C0950123, MeSH D030342.

Allele frequency attached by ClinVar (database versions not stated): TOPMed below 0.00001; gnomAD 0.00002; gnomAD exomes 0.00003.
gnomAD v4.1: 35 of 1,209,569 alleles (0.0029%); highest among the groups gnomAD compares: South Asian, 0.0035%; no homozygotes.

Submissions (2):

Ambry Genetics
Classification: Uncertain significance for Inborn genetic diseases. Last evaluated: 2023-12-27. Review status: criteria provided, single submitter. Criteria: Ambry Variant Classification Scheme 2023. Collection method: clinical testing. Allele origin: germline.

Labcorp Genetics (formerly Invitae), Labcorp
Classification: Uncertain significance. Last evaluated: 2023-11-23. Review status: criteria provided, single submitter. Criteria: Invitae Variant Classification Sherloc (09022015). Collection method: clinical testing. Allele origin: germline.
Comment: This sequence change replaces alanine, which is neutral and non-polar, with valine, which is neutral and non-polar, at codon 2115 of the USP9X protein (p.Ala2115Val). This variant is present in population databases (rs759088685, gnomAD 0.002%), including at least one homozygous and/or hemizygous individual. This variant has not been reported in the literature in individuals affected with USP9X-related conditions. An algorithm developed to predict the effect of missense changes on protein structure and function (PolyPhen-2) suggests that this variant is likely to be tolerated. In summary, the available evidence is currently insufficient to determine the role of this variant in disease. Therefore, it has been classified as a Variant of Uncertain Significance.

NM_001039591.3(USP9X):c.6344C>T (p.Ala2115Val)

Gene: USP9X (ubiquitin specific peptidase 9 X-linked; plus strand). Cytogenetic location: Xp11.4.
Variant type: single nucleotide variant.
Coding change: c.6344C>T on transcript NM_001039591.3 (MANE Select); coding-DNA position 6344, C replaced by T.
Protein change: p.Ala2115Val; replaces alanine 2115 with valine.
Molecular consequence: missense variant.
Genome position (GRCh38, 1-based): chrX:41,218,506, C>T. VCF-style: chrX-41218506-C-T. GRCh37 (hg19) VCF-style: chrX-41077759-C-T.
Other names: c.6344C>T (NM_001039590.2); c.6344C>T, p.Ala2115Val (NM_001039590.3); c.6359C>T, p.Ala2120Val (NM_001410748.1, NM_001410749.1); short protein forms A2120V, A2115V.
Identifiers: ClinVar variation 2997350 (VCV002997350.4), dbSNP rs759088685, ClinGen allele CA329027201.
Genomic context (GRCh38, chrX:41,218,506, plus strand): 5'-ATGTTTCAAATCGCTTCTCCGAATACCTTCTGGAGTGCCCTAGTGCAGAAGTGAGGGGTG[C>T]GTTTGCAAAACTTATAGTCTTTATTGCACATTTTTCCTTGCAAGATGGGCCATGTCCTTC-3'
Protein context (NP_001034680.2, residues 2105-2125): LECPSAEVRG[Ala2115Val]FAKLIVFIAH